The following is an entry in ClinVar:

NM_019032.6(ADAMTSL4):c.3032A>C (p.Gln1011Pro)

Genes: ADAMTSL4 (ADAMTS like 4; plus strand), LOC129931410 (ATAC-STARR-seq lymphoblastoid active region 1691; plus strand). Cytogenetic location: 1q21.2.
Variant type: single nucleotide variant.
Coding change: c.3032A>C on transcript NM_019032.6 (MANE Select); coding-DNA position 3032, A replaced by C.
Protein change: p.Gln1011Pro; replaces glutamine 1011 with proline.
Molecular consequence: missense variant.
Genome position (GRCh38, 1-based): chr1:150,559,849, A>C. VCF-style: chr1-150559849-A-C. GRCh37 (hg19) VCF-style: chr1-150532325-A-C.
Other names: c.2915A>C, p.Gln972Pro (NM_001288607.2); c.3101A>C, p.Gln1034Pro (NM_001288608.2); c.3032A>C, p.Gln1011Pro (NM_001378596.1); short protein forms Q1034P, Q972P, Q1011P.
Identifiers: ClinVar variation 1448663 (VCV001448663.4), dbSNP rs769440888, ClinGen allele CA1078926.

ClinVar aggregate classification (germline): Uncertain significance (1 of 4 stars; one submission).

Allele frequency attached by ClinVar (database versions not stated): gnomAD exomes below 0.00001; ExAC 0.00001; gnomAD 0.00001; TOPMed 0.00001.
gnomAD v4.1: 3 of 1,613,876 alleles (0.00019%); highest among the groups gnomAD compares: Admixed American, 0.0033%; no homozygotes.

Submission:

Labcorp Genetics (formerly Invitae), Labcorp
Classification: Uncertain significance. Last evaluated: 2024-12-09. Review status: criteria provided, single submitter. Criteria: Invitae Variant Classification Sherloc (09022015). Collection method: clinical testing. Allele origin: germline.
Comment: This sequence change replaces glutamine, which is neutral and polar, with proline, which is neutral and non-polar, at codon 1011 of the ADAMTSL4 protein (p.Gln1011Pro). This variant is present in population databases (rs769440888, gnomAD 0.003%). This variant has not been reported in the literature in individuals affected with ADAMTSL4-related conditions. ClinVar contains an entry for this variant (Variation ID: 1448663). Invitae Evidence Modeling of protein sequence and biophysical properties (such as structural, functional, and spatial information, amino acid conservation, physicochemical variation, residue mobility, and thermodynamic stability) indicates that this missense variant is not expected to disrupt ADAMTSL4 protein function with a negative predictive value of 80%. In summary, the available evidence is currently insufficient to determine the role of this variant in disease. Therefore, it has been classified as a Variant of Uncertain Significance.